The following is an entry in ClinVar:

ClinVar aggregate classification (germline): Uncertain significance (1 of 4 stars; one submission).

gnomAD v4.1: 3 of 1,613,850 alleles (0.00019%); highest among the groups gnomAD compares: Non-Finnish European, 0.00025%; no homozygotes.

Submission:

GeneDx
Classification: Uncertain significance. Last evaluated: 2024-05-08. Review status: criteria provided, single submitter. Criteria: GeneDx Variant Classification Process June 2021. Collection method: clinical testing. Allele origin: germline. Affected: yes.
Comment: Has not been previously published as pathogenic or benign to our knowledge; Not observed at significant frequency in large population cohorts (gnomAD); In silico analysis indicates that this missense variant does not alter protein structure/function; Although located in a calcium-binding EGF-like domain of the FBN2 gene, it does not substitute or introduce a cysteine residue (PMID: 19006240, 18767143); This variant is associated with the following publications: (PMID: 19006240, 18767143)

NM_001999.4(FBN2):c.2606A>G (p.Asn869Ser)

Gene: FBN2 (fibrillin 2; minus strand). Cytogenetic location: 5q23.3.
Variant type: single nucleotide variant.
Coding change: c.2606A>G on transcript NM_001999.4 (MANE Select); coding-DNA position 2606, A replaced by G.
Protein change: p.Asn869Ser; replaces asparagine 869 with serine.
Molecular consequence: missense variant.
Genome position (GRCh38, 1-based): chr5:128,357,344, T>C on the plus strand (A>G on the coding strand, the complement: FBN2 is on the minus strand). VCF-style: chr5-128357344-T-C. GRCh37 (hg19) VCF-style: chr5-127693036-T-C.
Other names: short protein forms N869S.
Identifiers: ClinVar variation 3375740 (VCV003375740.1).